The following is an entry in ClinVar:

NM_000478.6(ALPL):c.262G>A (p.Glu88Lys)

Gene: ALPL (alkaline phosphatase, biomineralization associated; plus strand). Cytogenetic location: 1p36.12.
Variant type: single nucleotide variant.
Coding change: c.262G>A on transcript NM_000478.6 (MANE Select); coding-DNA position 262, G replaced by A.
Protein change: p.Glu88Lys; replaces glutamic acid 88 with lysine.
Molecular consequence: missense variant. On other transcripts: intron variant (1).
Genome position (GRCh38, 1-based): chr1:21,561,177, G>A. VCF-style: chr1-21561177-G-A. GRCh37 (hg19) VCF-style: chr1-21887670-G-A.
Other names: c.97G>A, p.Glu33Lys (NM_001127501.4); c.262G>A, p.Glu88Lys (NM_001369803.2, NM_001369804.2, NM_001369805.2); c.66+432G>A (NM_001177520.3); short protein forms E88K, E33K.
Identifiers: ClinVar variation 550163 (VCV000550163.11), dbSNP rs1045735640, ClinGen allele CA19088503.

ClinVar aggregate classification (germline): Pathogenic/Likely pathogenic. Review status: criteria provided, multiple submitters, no conflicts (2 of 4 stars). 4 submissions from 4 submitters: Pathogenic (1); Likely pathogenic (2). 1 of the submissions does not count toward it. Last evaluated 2025-10-15.

Conditions:
Hypophosphatasia. Also called: Phosphoethanol-aminuria. Identifiers: Orphanet 436, MedGen C0020630, MeSH D007014, MONDO:0018570.
Infantile hypophosphatasia. Identifiers: Orphanet 247651, Orphanet 436, MedGen C0268412, MONDO:1010169, OMIM 241500, MONDO:0009427.

Allele frequency attached by ClinVar (database versions not stated): TOPMed below 0.00001.
gnomAD v4.1: 1 of 1,613,414 alleles (0.000062%); no homozygotes.

Submissions (4):

Women's Health and Genetics/Laboratory Corporation of America, LabCorp
Classification: Likely pathogenic for Hypophosphatasia. Last evaluated: 2025-10-15. Review status: criteria provided, single submitter. Criteria: LabCorp Variant Classification Summary - May 2015. Collection method: clinical testing. Allele origin: germline.
Comment: Variant summary: ALPL c.262G>A (p.Glu88Lys) results in a conservative amino acid change in the encoded protein sequence. Algorithms developed to predict the effect of missense changes on protein structure and function are either unavailable or do not agree on the potential impact of this missense change. The variant was absent in 248696 control chromosomes. c.262G>A has been observed in compound heterozygous (Mohn_2011) and heterozygous (Cinque_2023) individuals affected with Hypophosphatasia. These data indicate that the variant may be associated with disease. To our knowledge, no experimental evidence demonstrating an impact on protein function has been reported. The following publications have been ascertained in the context of this evaluation (PMID: 37600704, 21342251). ClinVar contains an entry for this variant (Variation ID: 550163). Based on the evidence outlined above, the variant was classified as likely pathogenic.

Genomenon, Inc
Classification: Likely pathogenic for Hypophosphatasia. Last evaluated: 2025-08-29. Review status: criteria provided, single submitter. Criteria: Genomenon Sequence Variant Interpretation Standards. Collection method: curation. Allele origin: germline. Affected: yes.
Comment: ALPL c.262G>A is a missense variant that changes the amino acid at residue 88 from Glutamic acid to Lysine. This variant has been observed in at least one proband affected with hypophosphatasia (PMID:37600704;21342251). It is absent or not present at a significant frequency in gnomAD. In silico models agree that this variant is possibly or probably damaging. In conclusion, we classify ALPL p.Glu88Lys (c.262G>A) as a likely pathogenic variant.

Labcorp Genetics (formerly Invitae), Labcorp
Classification: Pathogenic. Last evaluated: 2023-05-08. Review status: criteria provided, single submitter. Criteria: Invitae Variant Classification Sherloc (09022015). Collection method: clinical testing. Allele origin: germline.
Comment: This sequence change replaces glutamic acid, which is acidic and polar, with lysine, which is basic and polar, at codon 88 of the ALPL protein (p.Glu88Lys). This variant is not present in population databases (gnomAD no frequency). This missense change has been observed in individual(s) with hypophosphatasia (PMID: 21342251). In at least one individual the data is consistent with being in trans (on the opposite chromosome) from a pathogenic variant. ClinVar contains an entry for this variant (Variation ID: 550163). Advanced modeling of protein sequence and biophysical properties (such as structural, functional, and spatial information, amino acid conservation, physicochemical variation, residue mobility, and thermodynamic stability) performed at Invitae indicates that this missense variant is expected to disrupt ALPL protein function. For these reasons, this variant has been classified as Pathogenic.

Counsyl
Classification: Uncertain significance for Infantile hypophosphatasia. Last evaluated: 2017-01-09. Review status: no assertion criteria provided. Collection method: clinical testing. Allele origin: unknown. Not counted in ClinVar's aggregate classification.

Literature cited by the submitters: PubMed 32160374 (cited by Women's Health and Genetics/Laboratory Corporation of America, LabCorp); PubMed 37600704 (cited by Women's Health and Genetics/Laboratory Corporation of America, LabCorp and Genomenon, Inc); PubMed 21342251 (cited by 4 submitters).